The following is an entry in ClinVar:

NM_022552.5(DNMT3A):c.2142C>T (p.Ser714=)

Gene: DNMT3A (DNA methyltransferase 3 alpha; minus strand). Cytogenetic location: 2p23.3.
Variant type: single nucleotide variant.
Coding change: c.2142C>T on transcript NM_022552.5 (MANE Select); coding-DNA position 2142, C replaced by T.
Protein change: p.Ser714=; no amino-acid change (serine 714 retained).
Molecular consequence: synonymous variant. On other transcripts: non-coding transcript variant (1).
Genome position (GRCh38, 1-based): chr2:25,240,671, G>A on the plus strand (C>T on the coding strand, the complement: DNMT3A is on the minus strand). VCF-style: chr2-25240671-G-A. GRCh37 (hg19) VCF-style: chr2-25463540-G-A.
Other names: c.1686C>T, p.Ser562= (NM_001320893.1); c.1473C>T, p.Ser491= (NM_001375819.1); c.1575C>T, p.Ser525= (NM_153759.3); c.2142C>T, p.Ser714= (NM_175629.2).
Identifiers: ClinVar variation 4991832 (VCV004991832.1).

ClinVar aggregate classification (germline): Likely benign (1 of 4 stars; one submission).

Conditions:
DNMT3A-related disorder. Also called: DNMT3A-related disorders; DNMT3A-related condition.

gnomAD v4.1: 1 of 1,614,268 alleles (0.000062%); highest among the groups gnomAD compares: Admixed American, 0.0017%; no homozygotes.

Submission:

PreventionGenetics, part of Exact Sciences
Classification: Likely benign for DNMT3A-related condition. Last evaluated: 2026-07-21. Review status: criteria provided, single submitter. Criteria: ACMG Guidelines, 2015. Collection method: clinical testing. Allele origin: germline.
Comment: This variant is classified as likely benign based on ACMG/AMP sequence variant interpretation guidelines (Richards et al. 2015 PMID: 25741868, with internal and published modifications).